The following is an entry in ClinVar:

ClinVar aggregate classification (germline): Uncertain significance (1 of 4 stars; one submission).

Allele frequency attached by ClinVar (database versions not stated): gnomAD 0.00002; TOPMed 0.00002; ESP Exome Variant Server 0.00008.
gnomAD v4.1: 10 of 1,613,196 alleles (0.00062%); highest among the groups gnomAD compares: African/African-American, 0.013%; no homozygotes.

Submission:

Labcorp Genetics (formerly Invitae), Labcorp
Classification: Uncertain significance. Last evaluated: 2022-04-20. Review status: criteria provided, single submitter. Criteria: Invitae Variant Classification Sherloc (09022015). Collection method: clinical testing. Allele origin: germline.
Comment: This sequence change replaces serine, which is neutral and polar, with tyrosine, which is neutral and polar, at codon 1117 of the RUSC2 protein (p.Ser1117Tyr). This variant is present in population databases (rs141314822, gnomAD 0.01%). This variant has not been reported in the literature in individuals affected with RUSC2-related conditions. Algorithms developed to predict the effect of missense changes on protein structure and function (SIFT, PolyPhen-2, Align-GVGD) all suggest that this variant is likely to be disruptive. In summary, the available evidence is currently insufficient to determine the role of this variant in disease. Therefore, it has been classified as a Variant of Uncertain Significance.

NM_014806.5(RUSC2):c.3350C>A (p.Ser1117Tyr)

Gene: RUSC2 (RUN and SH3 domain containing 2; plus strand). Cytogenetic location: 9p13.3.
Variant type: single nucleotide variant.
Coding change: c.3350C>A on transcript NM_014806.5 (MANE Select); coding-DNA position 3350, C replaced by A.
Protein change: p.Ser1117Tyr; replaces serine 1117 with tyrosine.
Molecular consequence: missense variant. On other transcripts: non-coding transcript variant (1).
Genome position (GRCh38, 1-based): chr9:35,559,234, C>A. VCF-style: chr9-35559234-C-A. GRCh37 (hg19) VCF-style: chr9-35559231-C-A.
Other names: c.3350C>A, p.Ser1117Tyr (NM_001135999.2); c.716C>A, p.Ser239Tyr (NM_001330740.2); short protein forms S239Y, S1117Y.
Identifiers: ClinVar variation 1376446 (VCV001376446.5), dbSNP rs141314822, ClinGen allele CA5044136.